The following is an entry in ClinVar:

ClinVar aggregate classification (germline): Benign. Review status: reviewed by expert panel (3 of 4 stars). 10 submissions from 10 submitters: Benign (1). 9 of the submissions do not count toward it. Last evaluated 2024-04-03.

Conditions:
Immunodeficiency 104. Also called: SCID, AUTOSOMAL RECESSIVE, T CELL-NEGATIVE, B CELL-POSITIVE, NK CELL-POSITIVE; IMMUNODEFICIENCY 104, SEVERE COMBINED; Severe combined immunodeficiency, autosomal recessive, T cell-negative, B cell-positive, NK cell-positive; Severe Combined Immune Deficiency, Autosomal Recessive, TCell -Negative, B Cell-Positive, NK Cell-Positive, IL7R-Related. Identifiers: MedGen C5676890, MONDO:0012163, OMIM 608971.

Allele frequency attached by ClinVar (database versions not stated): 1000 Genomes Project 0.22085; 1000 Genomes Project 30x 0.22626; gnomAD exomes 0.23861 and 0.25485; ExAC 0.24446; TOPMed 0.27414; gnomAD 0.27652 and 0.28365; ESP Exome Variant Server 0.29317.
gnomAD v4.1: 414,023 of 1,613,732 alleles (26%); highest among the groups gnomAD compares: African/African-American, 34%; 55,069 homozygotes.

Submissions (10):

ClinGen Severe Combined Immunodeficiency Variant Curation Expert Panel, ClinGen
Classification: Benign for Immunodeficiency 104. Last evaluated: 2024-04-03. Review status: reviewed by expert panel. Criteria: ClinGen SCID ACMG Specifications IL7R V1.0.0. Collection method: curation. Allele origin: germline. Inheritance: Autosomal recessive inheritance.
Comment: The c.1066A>G (NM_002185.5) variant in IL7R is a missense variant predicted to cause substitution of Isoleucine by Valine at amino acid 356 (p.Ile356Val). The filtering allele frequency (the lower threshold of the 95% CI of 25619/74900 alleles) of the c.1066A>G variant in IL7R is 0.3385 for African/African American chromosomes by gnomAD v4, which is higher than the ClinGen SCID VCEP threshold (>0.00566) for BA1, and therefore meets this criterion (BA1). Additionally, 55069 adult homozygous occurrences are described in gnomAD (BS2_Supporting). In summary, this variant meets the criteria to be classified as Benign for autosomal recessive SCID based on the ACMG/AMP criteria applied, as specified by the ClinGen SCID VCEP: BA1 and BS2_Supporting. (VCEP specifications version 1)

Labcorp Genetics (formerly Invitae), Labcorp
Classification: Benign for Immunodeficiency 104. Last evaluated: 2026-02-04. Review status: criteria provided, single submitter. Criteria: Invitae Variant Classification Sherloc (09022015). Collection method: clinical testing. Allele origin: germline. Not counted in ClinVar's aggregate classification.

Blueprint Genetics
Classification: Likely benign. Last evaluated: 2024-11-26. Review status: criteria provided, single submitter. Criteria: ACMG Guidelines, 2015. Collection method: clinical testing. Allele origin: germline. Not counted in ClinVar's aggregate classification.

Unidad de Genómica Garrahan, Hospital de Pediatría Garrahan
Classification: Benign. Last evaluated: 2024-01-24. Review status: criteria provided, single submitter. Criteria: ACMG Guidelines, 2015. Collection method: clinical testing. Allele origin: germline. Affected: no. Observed: 40 variant alleles. Not counted in ClinVar's aggregate classification.
Comment: This variant is classified as Benign based on local population frequency. This variant was detected in 42% of patients studied by a panel of primary immunodeficiencies. Number of patients: 40. Only high quality variants are reported.

Mayo Clinic Laboratories, Mayo Clinic
Classification: Benign. Last evaluated: 2018-04-19. Review status: criteria provided, single submitter. Criteria: ACMG Guidelines, 2015. Collection method: clinical testing. Allele origin: germline. Observed: 88 variant alleles. Not counted in ClinVar's aggregate classification.

Illumina Laboratory Services, Illumina
Classification: Benign for Immunodeficiency 104. Last evaluated: 2018-03-06. Review status: criteria provided, single submitter. Criteria: ICSL Variant Classification Criteria 13 December 2019. Collection method: clinical testing. Allele origin: germline. Not counted in ClinVar's aggregate classification.
Comment: This variant was observed in the ICSL laboratory as part of a predisposition screen in an ostensibly healthy population. It had not been previously curated by ICSL or reported in the Human Gene Mutation Database (HGMD: prior to June 1st, 2018), and was therefore a candidate for classification through an automated scoring system. Utilizing variant allele frequency, disease prevalence and penetrance estimates, and inheritance mode, an automated score was calculated to assess if this variant is too frequent to cause the disease. Based on the score and internal cut-off values, a variant classified as benign is not then subjected to further curation. The score for this variant resulted in a classification of benign for this disease.

Laboratory for Molecular Medicine, Mass General Brigham Personalized Medicine
Classification: Benign. Last evaluated: 2016-03-28. Review status: criteria provided, single submitter. Criteria: LMM Criteria. Collection method: clinical testing. Allele origin: germline. Not counted in ClinVar's aggregate classification.
Comment: Variant identified in a genome or exome case(s) and assessed due to predicted null impact of the variant or pathogenic assertions in the literature or databases. Disclaimer: This variant has not undergone full assessment. The following are preliminary notes: Frequency

GeneDx
Classification: Benign. Last evaluated: 2015-03-03. Review status: criteria provided, single submitter. Criteria: GeneDx Variant Classification Process June 2021. Collection method: clinical testing. Allele origin: germline. Affected: yes. Not counted in ClinVar's aggregate classification.
Comment: This variant is associated with the following publications: (PMID: 21297633, 15674389, 24728327, 23818875, 17660816)

Breakthrough Genomics
Classification: Benign. Review status: criteria provided, single submitter. Criteria: ACMG Guidelines, 2015. Collection method: not provided. Allele origin: germline. Inheritance: Autosomal recessive inheritance. Affected: yes. Not counted in ClinVar's aggregate classification.

ITMI
No classification provided. Condition: AllHighlyPenetrant. Last evaluated: 2013-09-19. Review status: no classification provided. Collection method: reference population. Allele origin: germline. Not counted in ClinVar's aggregate classification.
Comment: Please see associated publication for description of ethnicities

Literature cited by the submitters: PubMed 24728327 (cited by ITMI).

NM_002185.5(IL7R):c.1066A>G (p.Ile356Val)

Gene: IL7R (interleukin 7 receptor; plus strand). Cytogenetic location: 5p13.2.
Variant type: single nucleotide variant.
Coding change: c.1066A>G on transcript NM_002185.5 (MANE Select); coding-DNA position 1066, A replaced by G.
Protein change: p.Ile356Val; replaces isoleucine 356 with valine.
Molecular consequence: missense variant. On other transcripts: non-coding transcript variant (1).
Genome position (GRCh38, 1-based): chr5:35,876,172, A>G. VCF-style: chr5-35876172-A-G. GRCh37 (hg19) VCF-style: chr5-35876274-A-G.
Other names: NM_002185.5(IL7R):c.1066A>G; short protein forms I356V.
Identifiers: ClinVar variation 134533 (VCV000134533.24), dbSNP rs3194051, ClinGen allele CA160114.